The following is an entry in ClinVar:

NM_003327.4(TNFRSF4):c.745G>A (p.Asp249Asn)

Gene: TNFRSF4 (TNF receptor superfamily member 4; minus strand). Cytogenetic location: 1p36.33.
Variant type: single nucleotide variant.
Coding change: c.745G>A on transcript NM_003327.4 (MANE Select); coding-DNA position 745, G replaced by A.
Protein change: p.Asp249Asn; replaces aspartic acid 249 with asparagine.
Molecular consequence: missense variant.
Genome position (GRCh38, 1-based): chr1:1,211,722, C>T on the plus strand (G>A on the coding strand, the complement: TNFRSF4 is on the minus strand). VCF-style: chr1-1211722-C-T. GRCh37 (hg19) VCF-style: chr1-1147102-C-T.
Other names: short protein forms D249N.
Identifiers: ClinVar variation 854031 (VCV000854031.9), dbSNP rs754604681, ClinGen allele CA512360.
Genomic context (GRCh38, chr1:1,211,722, plus strand): 5'-TCACCCGCCAGGAGCAGTGCGGCAGGGCCATGAGGCACTCACCAGGGGGCTTGTGGGCAT[C>T]GGGGGGCAGCCTCTGGTCCCTCCGGAGCAGGTACAGGGCCAGCAGGATGGCCAGGGGGCC-3'
Protein context (NP_003318.1, residues 239-259): LLRRDQRLPP[Asp249Asn]AHKPPGGGSF

ClinVar aggregate classification (germline): Uncertain significance (1 of 4 stars; one submission).

Conditions:
Combined immunodeficiency due to OX40 deficiency. Also called: Immunodeficiency 16; OX40 DEFICIENCY. Identifiers: Orphanet 431149, MedGen C3810053, MONDO:0014268, OMIM 615593.

Allele frequency attached by ClinVar (database versions not stated): TOPMed 0.00001; ExAC 0.00002; gnomAD 0.00002.
gnomAD v4.1: 12 of 1,585,052 alleles (0.00076%); highest among the groups gnomAD compares: Middle Eastern, 0.017%; no homozygotes.

Submission:

Labcorp Genetics (formerly Invitae), Labcorp
Classification: Uncertain significance for Combined immunodeficiency due to OX40 deficiency. Last evaluated: 2023-11-28. Review status: criteria provided, single submitter. Criteria: Invitae Variant Classification Sherloc (09022015). Collection method: clinical testing. Allele origin: germline.
Comment: This sequence change replaces aspartic acid, which is acidic and polar, with asparagine, which is neutral and polar, at codon 249 of the TNFRSF4 protein (p.Asp249Asn). The frequency data for this variant in the population databases is considered unreliable, as metrics indicate poor data quality at this position in the gnomAD database. This variant has not been reported in the literature in individuals affected with TNFRSF4-related conditions. ClinVar contains an entry for this variant (Variation ID: 854031). Advanced modeling of protein sequence and biophysical properties (such as structural, functional, and spatial information, amino acid conservation, physicochemical variation, residue mobility, and thermodynamic stability) performed at Invitae indicates that this missense variant is not expected to disrupt TNFRSF4 protein function with a negative predictive value of 80%. In summary, the available evidence is currently insufficient to determine the role of this variant in disease. Therefore, it has been classified as a Variant of Uncertain Significance.